The following is an entry in ClinVar:

NM_003076.5(SMARCD1):c.1389C>G (p.Leu463=)

Gene: SMARCD1 (SWI/SNF related BAF chromatin remodeling complex subunit D1; plus strand). Cytogenetic location: 12q13.12.
Variant type: single nucleotide variant.
Coding change: c.1389C>G on transcript NM_003076.5 (MANE Select); coding-DNA position 1389, C replaced by G.
Protein change: p.Leu463=; no amino-acid change (leucine 463 retained).
Molecular consequence: synonymous variant. On other transcripts: intron variant (1).
Genome position (GRCh38, 1-based): chr12:50,096,969, C>G. VCF-style: chr12-50096969-C-G. GRCh37 (hg19) VCF-style: chr12-50490752-C-G.
Other names: c.1270-1745C>G (NM_139071.3).
Identifiers: ClinVar variation 3342097 (VCV003342097.16).

ClinVar aggregate classification (germline): Likely benign (1 of 4 stars; one submission).

Submission:

CeGaT Center for Human Genetics Tuebingen
Classification: Likely benign. Last evaluated: 2024-08-01. Review status: criteria provided, single submitter. Criteria: CeGaT Center For Human Genetics Tuebingen Variant Classification Criteria Version 2. Collection method: clinical testing. Allele origin: germline. Affected: yes. Observed: 1 variant allele.
Comment: SMARCD1: PM2:Supporting, BP4, BP7